The following is an entry in ClinVar:

ClinVar aggregate classification (germline): Uncertain significance. Review status: criteria provided, multiple submitters, no conflicts (2 of 4 stars). 2 submissions from 2 submitters: Uncertain significance (2). Last evaluated 2023-12-09.

Conditions:
Inborn genetic diseases. Identifiers: MedGen C0950123, MeSH D030342.

Allele frequency attached by ClinVar (database versions not stated): gnomAD exomes below 0.00001; ExAC 0.00002.
gnomAD v4.1: 4 of 1,605,180 alleles (0.00025%); highest among the groups gnomAD compares: South Asian, 0.0044%; no homozygotes.

Submissions (2):

Labcorp Genetics (formerly Invitae), Labcorp
Classification: Uncertain significance. Last evaluated: 2023-12-09. Review status: criteria provided, single submitter. Criteria: Invitae Variant Classification Sherloc (09022015). Collection method: clinical testing. Allele origin: germline.
Comment: This sequence change replaces alanine, which is neutral and non-polar, with valine, which is neutral and non-polar, at codon 593 of the DVL3 protein (p.Ala593Val). The frequency data for this variant in the population databases is considered unreliable, as metrics indicate poor data quality at this position in the gnomAD database. This variant has not been reported in the literature in individuals affected with DVL3-related conditions. ClinVar contains an entry for this variant (Variation ID: 2308076). Advanced modeling of protein sequence and biophysical properties (such as structural, functional, and spatial information, amino acid conservation, physicochemical variation, residue mobility, and thermodynamic stability) performed at Invitae indicates that this missense variant is not expected to disrupt DVL3 protein function with a negative predictive value of 80%. In summary, the available evidence is currently insufficient to determine the role of this variant in disease. Therefore, it has been classified as a Variant of Uncertain Significance.

Ambry Genetics
Classification: Uncertain significance for Inborn genetic diseases. Last evaluated: 2022-08-17. Review status: criteria provided, single submitter. Criteria: Ambry Variant Classification Scheme 2023. Collection method: clinical testing. Allele origin: germline.

NM_004423.4(DVL3):c.1778C>T (p.Ala593Val)

Gene: DVL3 (dishevelled segment polarity protein 3; plus strand). Cytogenetic location: 3q27.1.
Variant type: single nucleotide variant.
Coding change: c.1778C>T on transcript NM_004423.4 (MANE Select); coding-DNA position 1778, C replaced by T.
Protein change: p.Ala593Val; replaces alanine 593 with valine.
Molecular consequence: missense variant.
Genome position (GRCh38, 1-based): chr3:184,170,382, C>T. VCF-style: chr3-184170382-C-T. GRCh37 (hg19) VCF-style: chr3-183888170-C-T.
Other names: short protein forms A593V.
Identifiers: ClinVar variation 2308076 (VCV002308076.5), dbSNP rs764799867, ClinGen allele CA2727519.